The following is an entry in ClinVar:

NM_001033044.4(GLUL):c.572C>T (p.Ala191Val)

Genes: GLUL (glutamate-ammonia ligase; minus strand), LOC126805944 (CDK7 strongly-dependent group 2 enhancer GRCh37_chr1:182354799-182355998; plus strand). Cytogenetic location: 1q25.3.
Variant type: single nucleotide variant.
Coding change: c.572C>T on transcript NM_001033044.4 (MANE Select); coding-DNA position 572, C replaced by T.
Protein change: p.Ala191Val; replaces alanine 191 with valine.
Molecular consequence: missense variant.
Genome position (GRCh38, 1-based): chr1:182,385,791, G>A on the plus strand (C>T on the coding strand, the complement: GLUL is on the minus strand). VCF-style: chr1-182385791-G-A. GRCh37 (hg19) VCF-style: chr1-182354926-G-A.
Other names: c.572C>T, p.Ala191Val (NM_001033056.4, NM_002065.7); short protein forms A191V.
Identifiers: ClinVar variation 2188510 (VCV002188510.4), dbSNP rs1288022473, ClinGen allele CA343640374.

ClinVar aggregate classification (germline): Uncertain significance (1 of 4 stars; one submission).

Conditions:
Congenital brain dysgenesis due to glutamine synthetase deficiency (GLND). Also called: GLUTAMINE SYNTHASE DEFICIENCY, CONGENITAL SYSTEMIC. Identifiers: Orphanet 71278, MedGen C1864910, MONDO:0012393, OMIM 610015.

Allele frequency attached by ClinVar (database versions not stated): gnomAD exomes 0.00001; TOPMed 0.00001.

Submission:

Labcorp Genetics (formerly Invitae), Labcorp
Classification: Uncertain significance for Congenital brain dysgenesis due to glutamine synthetase deficiency. Last evaluated: 2022-08-23. Review status: criteria provided, single submitter. Criteria: Invitae Variant Classification Sherloc (09022015). Collection method: clinical testing. Allele origin: germline.
Comment: In summary, the available evidence is currently insufficient to determine the role of this variant in disease. Therefore, it has been classified as a Variant of Uncertain Significance. Algorithms developed to predict the effect of missense changes on protein structure and function (SIFT, PolyPhen-2, Align-GVGD) all suggest that this variant is likely to be tolerated. This variant has not been reported in the literature in individuals affected with GLUL-related conditions. This variant is present in population databases (no rsID available, gnomAD 0.02%). This sequence change replaces alanine, which is neutral and non-polar, with valine, which is neutral and non-polar, at codon 191 of the GLUL protein (p.Ala191Val).